The following is an entry in ClinVar:

ClinVar aggregate classification (germline): Uncertain significance (1 of 4 stars; one submission).

Conditions:
GRIN2A-Related Speech Disorders and Epilepsy. Identifiers: MedGen CN378580.

Allele frequency attached by ClinVar (database versions not stated): gnomAD exomes below 0.00001 and 0.00001.
gnomAD v4.1: 6 of 1,614,114 alleles (0.00037%); highest among the groups gnomAD compares: South Asian, 0.0066%; no homozygotes.

Submission:

Illumina Laboratory Services, Illumina
Classification: Uncertain significance for GRIN2A-Related Speech Disorders and Epilepsy. Last evaluated: 2024-05-10. Review status: criteria provided, single submitter. Criteria: ISL SNV Classification Criteria 03 February 2026. Collection method: clinical testing. Allele origin: unknown.
Comment: The GRIN2A c.835G>A p.(Val279Ile) missense variant has not been reported in the peer reviewed literature. This variant is reported in the Genome Aggregation Database in six alleles at a frequency of 0.00006956 in the South Asian population (version 4.1.0). Based on the available evidence, the c.835G>A p.(Val279Ile) variant is classified as a variant of unknown significance for GRIN2A-related speech disorders and epilepsy.

NM_001134407.3(GRIN2A):c.835G>A (p.Val279Ile)

Gene: GRIN2A (glutamate ionotropic receptor NMDA type subunit 2A; minus strand). Cytogenetic location: 16p13.2.
Variant type: single nucleotide variant.
Coding change: c.835G>A on transcript NM_001134407.3 (MANE Select); coding-DNA position 835, G replaced by A.
Protein change: p.Val279Ile; replaces valine 279 with isoleucine.
Molecular consequence: missense variant.
Genome position (GRCh38, 1-based): chr16:9,938,131, C>T on the plus strand (G>A on the coding strand, the complement: GRIN2A is on the minus strand). VCF-style: chr16-9938131-C-T. GRCh37 (hg19) VCF-style: chr16-10031988-C-T.
Other names: c.835G>A, p.Val279Ile (NM_000833.5, NM_001134408.2); short protein forms V279I.
Identifiers: ClinVar variation 989359 (VCV000989359.5), dbSNP rs1351708359, ClinGen allele CA394798400.